The following is an entry in ClinVar:

NM_022725.4(FANCF):c.763C>G (p.Leu255Val)

Gene: FANCF (FA complementation group F; minus strand). Cytogenetic location: 11p14.3.
Variant type: single nucleotide variant.
Coding change: c.763C>G on transcript NM_022725.4 (MANE Select); coding-DNA position 763, C replaced by G.
Protein change: p.Leu255Val; replaces leucine 255 with valine.
Molecular consequence: missense variant.
Genome position (GRCh38, 1-based): chr11:22,625,048, G>C on the plus strand (C>G on the coding strand, the complement: FANCF is on the minus strand). VCF-style: chr11-22625048-G-C. GRCh37 (hg19) VCF-style: chr11-22646594-G-C.
Other names: short protein forms L255V.
Identifiers: ClinVar variation 2802017 (VCV002802017.3), dbSNP rs1858621255, ClinGen allele CA380058373.

ClinVar aggregate classification (germline): Uncertain significance (1 of 4 stars; one submission).

Conditions:
Fanconi anemia (FA). Also called: Fanconi's anemia. Identifiers: Orphanet 84, MedGen C0015625, MeSH D005199, MONDO:0019391.

gnomAD v4.1: 1 of 1,614,200 alleles (0.000062%); highest among the groups gnomAD compares: African/African-American, 0.0013%; no homozygotes.

Submission:

Labcorp Genetics (formerly Invitae), Labcorp
Classification: Uncertain significance for Fanconi anemia. Last evaluated: 2024-09-16. Review status: criteria provided, single submitter. Criteria: Invitae Variant Classification Sherloc (09022015). Collection method: clinical testing. Allele origin: germline.
Comment: This sequence change replaces leucine, which is neutral and non-polar, with valine, which is neutral and non-polar, at codon 255 of the FANCF protein (p.Leu255Val). This variant is not present in population databases (gnomAD no frequency). This variant has not been reported in the literature in individuals affected with FANCF-related conditions. Invitae Evidence Modeling of protein sequence and biophysical properties (such as structural, functional, and spatial information, amino acid conservation, physicochemical variation, residue mobility, and thermodynamic stability) indicates that this missense variant is not expected to disrupt FANCF protein function with a negative predictive value of 80%. In summary, the available evidence is currently insufficient to determine the role of this variant in disease. Therefore, it has been classified as a Variant of Uncertain Significance.